The following is an entry in ClinVar:

ClinVar aggregate classification (germline): Uncertain significance (1 of 4 stars; one submission).

Conditions:
Epileptic encephalopathy. Identifiers: MedGen C0543888, HP:0200134.

Allele frequency attached by ClinVar (database versions not stated): gnomAD exomes below 0.00001.
gnomAD v4.1: 1 of 1,613,160 alleles (0.000062%); highest among the groups gnomAD compares: Admixed American, 0.0017%; no homozygotes.

Submission:

Labcorp Genetics (formerly Invitae), Labcorp
Classification: Uncertain significance for Epileptic encephalopathy. Last evaluated: 2024-04-15. Review status: criteria provided, single submitter. Criteria: Invitae Variant Classification Sherloc (09022015). Collection method: clinical testing. Allele origin: germline.
Comment: This sequence change replaces threonine, which is neutral and polar, with asparagine, which is neutral and polar, at codon 229 of the GABBR2 protein (p.Thr229Asn). This variant is not present in population databases (gnomAD no frequency). This variant has not been reported in the literature in individuals affected with GABBR2-related conditions. Advanced modeling of protein sequence and biophysical properties (such as structural, functional, and spatial information, amino acid conservation, physicochemical variation, residue mobility, and thermodynamic stability) performed at Invitae indicates that this missense variant is not expected to disrupt GABBR2 protein function with a negative predictive value of 80%. In summary, the available evidence is currently insufficient to determine the role of this variant in disease. Therefore, it has been classified as a Variant of Uncertain Significance.

NM_005458.8(GABBR2):c.686C>A (p.Thr229Asn)

Genes: GABBR2 (gamma-aminobutyric acid type B receptor subunit 2; minus strand), LOC126860700 (CDK7 strongly-dependent group 2 enhancer GRCh37_chr9:101257622-101258821; plus strand). Cytogenetic location: 9q22.33.
Variant type: single nucleotide variant.
Coding change: c.686C>A on transcript NM_005458.8 (MANE Select); coding-DNA position 686, C replaced by A.
Protein change: p.Thr229Asn; replaces threonine 229 with asparagine.
Molecular consequence: missense variant.
Genome position (GRCh38, 1-based): chr9:98,496,459, G>T on the plus strand (C>A on the coding strand, the complement: GABBR2 is on the minus strand). VCF-style: chr9-98496459-G-T. GRCh37 (hg19) VCF-style: chr9-101258741-G-T.
Other names: short protein forms T229N.
Identifiers: ClinVar variation 2822111 (VCV002822111.3), dbSNP rs1226110621, ClinGen allele CA374349274.